The following is an entry in ClinVar:

NM_001220.5(CAMK2B):c.475G>A (p.Gly159Ser)

Gene: CAMK2B (calcium/calmodulin dependent protein kinase II beta; minus strand). Cytogenetic location: 7p13.
Variant type: single nucleotide variant.
Coding change: c.475G>A on transcript NM_001220.5 (MANE Select); coding-DNA position 475, G replaced by A.
Protein change: p.Gly159Ser; replaces glycine 159 with serine.
Molecular consequence: missense variant.
Genome position (GRCh38, 1-based): chr7:44,243,467, C>T on the plus strand (G>A on the coding strand, the complement: CAMK2B is on the minus strand). VCF-style: chr7-44243467-C-T. GRCh37 (hg19) VCF-style: chr7-44283066-C-T.
Other names: c.475G>A, p.Gly159Ser (NM_001293170.2, NM_172078.3, NM_172079.3 and 5 more transcripts); short protein forms G159S.
Identifiers: ClinVar variation 3370848 (VCV003370848.4).
Genomic context (GRCh38, chr7:44,243,467, plus strand): 5'-CCTGCCCCTGGCACTCACCAAACCATGCCTGCTGGTCCCCCTGCACCTCGATAGCTAGGC[C>T]GAAGTCTGCCAGCTTCACTGCAGCCCCTTTGCACTTGCTGGCCAGAAGCAGGTTCTCCGG-3'
Protein context (NP_001211.3, residues 149-169): KGAAVKLADF[Gly159Ser]LAIEVQGDQQ

ClinVar aggregate classification (germline): Uncertain significance. Review status: criteria provided, multiple submitters, no conflicts (2 of 4 stars). 2 submissions from 2 submitters: Uncertain significance (2). Last evaluated 2026-08-03.

gnomAD v4.1: 1 of 1,614,130 alleles (0.000062%); highest among the groups gnomAD compares: Non-Finnish European, 0.000085%; no homozygotes.

Submissions (2):

GeneDx
Classification: Uncertain significance. Last evaluated: 2026-08-03. Review status: criteria provided, single submitter. Criteria: GeneDx Variant Classification Process June 2021. Collection method: clinical testing. Allele origin: germline.
Comment: Not observed at significant frequency in large population cohorts (gnomAD); In silico analysis supports that this missense variant has a deleterious effect on protein structure/function; Has not been previously published as pathogenic or benign to our knowledge

Labcorp Genetics (formerly Invitae), Labcorp
Classification: Uncertain significance. Last evaluated: 2025-03-25. Review status: criteria provided, single submitter. Criteria: Invitae Variant Classification Sherloc (09022015). Collection method: clinical testing. Allele origin: germline.
Comment: This sequence change replaces glycine, which is neutral and non-polar, with serine, which is neutral and polar, at codon 159 of the CAMK2B protein (p.Gly159Ser). This variant is not present in population databases (gnomAD no frequency). This variant has not been reported in the literature in individuals affected with CAMK2B-related conditions. ClinVar contains an entry for this variant (Variation ID: 3370848). An algorithm developed to predict the effect of missense changes on protein structure and function (PolyPhen-2) suggests that this variant is likely to be disruptive. In summary, the available evidence is currently insufficient to determine the role of this variant in disease. Therefore, it has been classified as a Variant of Uncertain Significance.